The following is an entry in ClinVar:

ClinVar aggregate classification (germline): Uncertain significance (1 of 4 stars; one submission).

Allele frequency attached by ClinVar (database versions not stated): gnomAD exomes 0.00001 and 0.00007; TOPMed 0.00002; gnomAD 0.00003 and 0.00005; ExAC 0.00005; 1000 Genomes Project 30x 0.00031; 1000 Genomes Project 0.00040.
gnomAD v4.1: 24 of 1,613,006 alleles (0.0015%); highest among the groups gnomAD compares: East Asian, 0.049%; no homozygotes.

Submission:

Labcorp Genetics (formerly Invitae), Labcorp
Classification: Uncertain significance. Last evaluated: 2025-08-26. Review status: criteria provided, single submitter. Criteria: Invitae Variant Classification Sherloc (09022015). Collection method: clinical testing. Allele origin: germline.
Comment: This sequence change falls in intron 18 of the COL13A1 gene. It does not directly change the encoded amino acid sequence of the COL13A1 protein. It affects a nucleotide within the consensus splice site. This variant is present in population databases (rs532269325, gnomAD 0.09%). This variant has not been reported in the literature in individuals affected with COL13A1-related conditions. ClinVar contains an entry for this variant (Variation ID: 1513497). Variants that disrupt the consensus splice site are a relatively common cause of aberrant splicing (PMID: 17576681, 9536098). Algorithms developed to predict the effect of sequence changes on RNA splicing suggest that this variant is not likely to affect RNA splicing. In summary, the available evidence is currently insufficient to determine the role of this variant in disease. Therefore, it has been classified as a Variant of Uncertain Significance.

Literature cited by the submitters: PubMed 17576681; PubMed 9536098.

NM_001368882.1(COL13A1):c.966+4C>T

Gene: COL13A1 (collagen type XIII alpha 1 chain; plus strand). Cytogenetic location: 10q22.1.
Variant type: single nucleotide variant.
Coding change: c.966+4C>T on transcript NM_001368882.1 (MANE Select); 4 bases into the intron after coding-DNA position 966, C replaced by T.
Molecular consequence: intron variant.
Genome position (GRCh38, 1-based): chr10:69,917,337, C>T. VCF-style: chr10-69917337-C-T. GRCh37 (hg19) VCF-style: chr10-71677093-C-T.
Other names: c.966+4C>T (NM_001320951.2, NM_001368884.1); c.996+4C>T (NM_001130103.2); c.930+4C>T (NM_080801.4, NM_080802.4, NM_001368883.1 and 1 more transcripts); c.939+4C>T (NM_080800.4); c.366+4C>T (NM_001368886.1); c.843+4C>T (NM_080805.4); c.852+4C>T (NM_001368897.1); c.876+4C>T (NM_001368895.1); and 1 more.
Identifiers: ClinVar variation 1513497 (VCV001513497.5), dbSNP rs532269325, ClinGen allele CA5534512.